The following is an entry in ClinVar:

ClinVar aggregate classification (germline): Uncertain significance (1 of 4 stars; one submission).

Submission:

Women's Health and Genetics/Laboratory Corporation of America, LabCorp
Classification: Uncertain significance. Last evaluated: 2024-08-12. Review status: criteria provided, single submitter. Criteria: LabCorp Variant Classification Summary - May 2015. Collection method: clinical testing. Allele origin: germline.
Comment: Variant summary: LDLRAP1 c.842T>A (p.Met281Lys) results in a non-conservative amino acid change in the encoded protein sequence. Four of five in-silico tools predict a benign effect of the variant on protein function. The variant was absent in 249138 control chromosomes. The available data on variant occurrences in the general population are insufficient to allow any conclusion about variant significance. To our knowledge, no occurrence of c.842T>A in individuals affected with Familial Hypercholesterolemia and no experimental evidence demonstrating its impact on protein function have been reported. No submitters have cited clinical-significance assessments for this variant to ClinVar. Based on the evidence outlined above, the variant was classified as uncertain significance.

NM_015627.3(LDLRAP1):c.842T>A (p.Met281Lys)

Gene: LDLRAP1 (low density lipoprotein receptor adaptor protein 1; plus strand). Cytogenetic location: 1p36.11.
Variant type: single nucleotide variant.
Coding change: c.842T>A on transcript NM_015627.3 (MANE Select); coding-DNA position 842, T replaced by A.
Protein change: p.Met281Lys; replaces methionine 281 with lysine.
Molecular consequence: missense variant.
Genome position (GRCh38, 1-based): chr1:25,566,907, T>A. VCF-style: chr1-25566907-T-A. GRCh37 (hg19) VCF-style: chr1-25893398-T-A.
Other names: short protein forms M281K.
Identifiers: ClinVar variation 3366849 (VCV003366849.1).